The following is an entry in ClinVar:

NM_001126108.2(SLC12A3):c.2765A>C (p.Asp922Ala)

Gene: SLC12A3 (solute carrier family 12 member 3; plus strand). Cytogenetic location: 16q13.
Variant type: single nucleotide variant.
Coding change: c.2765A>C on transcript NM_001126108.2 (MANE Select); coding-DNA position 2765, A replaced by C.
Protein change: p.Asp922Ala; replaces aspartic acid 922 with alanine.
Molecular consequence: missense variant.
Genome position (GRCh38, 1-based): chr16:56,902,417, A>C. VCF-style: chr16-56902417-A-C. GRCh37 (hg19) VCF-style: chr16-56936329-A-C.
Other names: c.2792A>C, p.Asp931Ala (NM_000339.3); c.2789A>C, p.Asp930Ala (NM_001126107.2); c.2762A>C, p.Asp921Ala (NM_001410896.1); short protein forms D921A, D922A, D930A, D931A.
Identifiers: ClinVar variation 1713360 (VCV001713360.5), dbSNP rs2543557734, ClinGen allele CA396001208.
Genomic context (GRCh38, chr16:56,902,417, plus strand): 5'-ACTTTCTCGTCCCCAGCACCAAGAGGTTTGAGGACATGATTGCACCCTTCCGTCTGAATG[A>C]TGGCTTCAAGGATGAGGCCACTGTCAACGAGATGCGGCGGGACTGCCCCTGGAAGATCTC-3'
Protein context (NP_001119580.2, residues 912-932): EDMIAPFRLN[Asp922Ala]GFKDEATVNE

ClinVar aggregate classification (germline): Uncertain significance (1 of 4 stars; one submission).

Submission:

Labcorp Genetics (formerly Invitae), Labcorp
Classification: Uncertain significance. Last evaluated: 2022-07-28. Review status: criteria provided, single submitter. Criteria: Invitae Variant Classification Sherloc (09022015). Collection method: clinical testing. Allele origin: germline.
Comment: This sequence change replaces aspartic acid, which is acidic and polar, with alanine, which is neutral and non-polar, at codon 931 of the SLC12A3 protein (p.Asp931Ala). This variant is not present in population databases (gnomAD no frequency). This variant has not been reported in the literature in individuals affected with SLC12A3-related conditions. Advanced modeling of protein sequence and biophysical properties (such as structural, functional, and spatial information, amino acid conservation, physicochemical variation, residue mobility, and thermodynamic stability) performed at Invitae indicates that this missense variant is not expected to disrupt SLC12A3 protein function. In summary, the available evidence is currently insufficient to determine the role of this variant in disease. Therefore, it has been classified as a Variant of Uncertain Significance.